The following is an entry in ClinVar:

NM_001267550.2(TTN):c.36750G>A (p.Pro12250=)

Gene: TTN (titin; minus strand). Cytogenetic location: 2q31.2.
Variant type: single nucleotide variant.
Coding change: c.36750G>A on transcript NM_001267550.2 (MANE Select); coding-DNA position 36750, G replaced by A.
Protein change: p.Pro12250=; no amino-acid change (proline 12250 retained).
Molecular consequence: synonymous variant. On other transcripts: intron variant (3).
Genome position (GRCh38, 1-based): chr2:178,663,006, C>T on the plus strand (G>A on the coding strand, the complement: TTN is on the minus strand). VCF-style: chr2-178663006-C-T. GRCh37 (hg19) VCF-style: chr2-179527733-C-T.
Other names: c.36750G>A (NM_001267550.1); c.34314G>A, p.Pro11438= (NM_001256850.1); c.31533G>A, p.Pro10511= (NM_133378.4); c.13283-20689G>A (NM_003319.4); c.13859-20689G>A (NM_133437.4); c.13658-20689G>A (NM_133432.3).
Identifiers: ClinVar variation 380400 (VCV000380400.23), dbSNP rs777458053, ClinGen allele CA1997357.

ClinVar aggregate classification (germline): Benign/Likely benign. Review status: criteria provided, multiple submitters, no conflicts (2 of 4 stars). 7 submissions from 7 submitters: Benign (2); Likely benign (5). Last evaluated 2025-11-21.

Conditions:
Dilated cardiomyopathy 1G (CMD1G). Identifiers: Orphanet 154, MedGen C1858763, MONDO:0011400, OMIM 604145.
Autosomal recessive limb-girdle muscular dystrophy type 2J (LGMDR10). Also called: MUSCULAR DYSTROPHY, LIMB-GIRDLE, AUTOSOMAL RECESSIVE 10; Limb-girdle muscular dystrophy, type 2J. Identifiers: Orphanet 140922, MedGen C1837342, MONDO:0012127, OMIM 608807.

Allele frequency attached by ClinVar (database versions not stated): gnomAD 0.00132; ExAC 0.00160; 1000 Genomes Project 30x 0.00265.

Submissions (7):

Labcorp Genetics (formerly Invitae), Labcorp
Classification: Likely benign for Dilated cardiomyopathy 1G; Autosomal recessive limb-girdle muscular dystrophy type 2J. Last evaluated: 2025-11-21. Review status: criteria provided, single submitter. Criteria: Invitae Variant Classification Sherloc (09022015). Collection method: clinical testing. Allele origin: germline.

CeGaT Center for Human Genetics Tuebingen
Classification: Likely benign. Last evaluated: 2025-09-01. Review status: criteria provided, single submitter. Criteria: CeGaT Center For Human Genetics Tuebingen Variant Classification Criteria Version 2. Collection method: clinical testing. Allele origin: germline. Affected: yes. Observed: 1 variant allele.
Comment: TTN: BP4, BP7

Molecular Diagnostic Laboratory for Inherited Cardiovascular Disease, Montreal Heart Institute
Classification: Benign. Last evaluated: 2025-04-09. Review status: criteria provided, single submitter. Criteria: ACMG Guidelines, 2015. Collection method: clinical testing. Allele origin: germline. Affected: no.

Athena Diagnostics
Classification: Benign. Last evaluated: 2024-12-17. Review status: criteria provided, single submitter. Criteria: Athena Diagnostics Criteria. Collection method: clinical testing. Allele origin: unknown.
Comment: The frequency of this variant in the general population is higher than would generally be expected for pathogenic variants in this gene. Computational tools yielded predictions that this variant is unlikely to have an effect on normal RNA splicing. This nucleotide position exhibits low evolutionary conservation.

Blueprint Genetics
Classification: Likely benign. Last evaluated: 2024-10-24. Review status: criteria provided, single submitter. Criteria: ACMG Guidelines, 2015. Collection method: clinical testing. Allele origin: germline.

Women's Health and Genetics/Laboratory Corporation of America, LabCorp
Classification: Likely benign. Last evaluated: 2024-03-28. Review status: criteria provided, single submitter. Criteria: LabCorp Variant Classification Summary - May 2015. Collection method: clinical testing. Allele origin: germline.

GeneDx
Classification: Likely benign. Last evaluated: 2017-10-16. Review status: criteria provided, single submitter. Criteria: GeneDx Variant Classification (06012015). Collection method: clinical testing. Allele origin: germline. Affected: yes.
Comment: This variant is considered likely benign or benign based on one or more of the following criteria: it is a conservative change, it occurs at a poorly conserved position in the protein, it is predicted to be benign by multiple in silico algorithms, and/or has population frequency not consistent with disease.